The following is an entry in ClinVar:

NM_000059.4(BRCA2):c.2489A>T (p.Asn830Ile)

Gene: BRCA2 (BRCA2 DNA repair associated; plus strand). Cytogenetic location: 13q13.1.
Variant type: single nucleotide variant.
Coding change: c.2489A>T on transcript NM_000059.4 (MANE Select); coding-DNA position 2489, A replaced by T.
Protein change: p.Asn830Ile; replaces asparagine 830 with isoleucine.
Molecular consequence: missense variant.
Genome position (GRCh38, 1-based): chr13:32,336,844, A>T. VCF-style: chr13-32336844-A-T. GRCh37 (hg19) VCF-style: chr13-32910981-A-T.
Other names: short protein forms N830I.
Identifiers: ClinVar variation 531236 (VCV000531236.14), dbSNP rs786202809, ClinGen allele CA387772405.
Genomic context (GRCh38, chr13:32,336,844, plus strand): 5'-CCAAAAATATTCCCATGGAAAAGAATCAAGATGTATGTGCTTTAAATGAAAATTATAAAA[A>T]CGTTGAGCTGTTGCCACCTGAAAAATACATGAGAGTAGCATCACCTTCAAGAAAGGTACA-3'
Protein context (NP_000050.3, residues 820-840): DVCALNENYK[Asn830Ile]VELLPPEKYM

ClinVar aggregate classification (germline): Conflicting classifications of pathogenicity. Review status: criteria provided, conflicting classifications (1 of 4 stars). 4 submissions from 4 submitters: Uncertain significance (3); Likely benign (1). Last evaluated 2023-12-16.

Conditions:
Hereditary cancer-predisposing syndrome. Also called: Hereditary neoplastic syndrome; Neoplastic Syndromes, Hereditary; Tumor predisposition; Hereditary Cancer Syndrome. Identifiers: Orphanet 140162, MedGen C0027672, MeSH D009386, MONDO:0015356.
Hereditary breast ovarian cancer syndrome. Also called: Hereditary breast and ovarian cancer syndrome (HBOC); BRCA1- and BRCA2-Associated Hereditary Breast and Ovarian Cancer; Hereditary breast and ovarian cancer syndrome; Breast and ovarian cancer; Hereditary breast and ovarian cancer; Hereditary breast and/or ovarian cancer syndrome. Identifiers: Orphanet 145, MedGen C0677776, MeSH D061325, MONDO:0003582. Disease mechanism: loss of function.

Submissions (4):

Labcorp Genetics (formerly Invitae), Labcorp
Classification: Uncertain significance for Hereditary breast ovarian cancer syndrome. Last evaluated: 2023-12-16. Review status: criteria provided, single submitter. Criteria: Invitae Variant Classification Sherloc (09022015). Collection method: clinical testing. Allele origin: germline.
Comment: This sequence change replaces asparagine, which is neutral and polar, with isoleucine, which is neutral and non-polar, at codon 830 of the BRCA2 protein (p.Asn830Ile). This variant is not present in population databases (gnomAD no frequency). This missense change has been observed in individual(s) with ovarian cancer (PMID: 23633455). ClinVar contains an entry for this variant (Variation ID: 531236). Advanced modeling of protein sequence and biophysical properties (such as structural, functional, and spatial information, amino acid conservation, physicochemical variation, residue mobility, and thermodynamic stability) performed at Invitae indicates that this missense variant is not expected to disrupt BRCA2 protein function with a negative predictive value of 95%. In summary, the available evidence is currently insufficient to determine the role of this variant in disease. Therefore, it has been classified as a Variant of Uncertain Significance.

University of Washington Department of Laboratory Medicine, University of Washington
Classification: Likely benign for Hereditary cancer-predisposing syndrome. Last evaluated: 2023-03-23. Review status: criteria provided, single submitter. Criteria: Dines et al. (Genet Med. 2020). Collection method: curation. Allele origin: germline.
Comment: Missense variant in a coldspot region where missense variants are very unlikely to be pathogenic (PMID:31911673).

BRCA2 exon 11 coldspot. Reclassification based on statistical prior probability.

Ambry Genetics
Classification: Uncertain significance for Hereditary cancer-predisposing syndrome. Last evaluated: 2021-11-03. Review status: criteria provided, single submitter. Criteria: Ambry Variant Classification Scheme 2023. Collection method: clinical testing. Allele origin: germline.
Comment: The p.N830I variant (also known as c.2489A>T), located in coding exon 10 of the BRCA2 gene, results from an A to T substitution at nucleotide position 2489. The asparagine at codon 830 is replaced by isoleucine, an amino acid with dissimilar properties. This amino acid position is poorly conserved in available vertebrate species. In addition, this alteration is predicted to be tolerated by in silico analysis. Since supporting evidence is limited at this time, the clinical significance of this alteration remains unclear.

GeneDx
Classification: Uncertain significance. Last evaluated: 2019-06-10. Review status: criteria provided, single submitter. Criteria: GeneDx Variant Classification Process June 2021. Collection method: clinical testing. Allele origin: germline. Affected: yes.
Comment: Not observed in large population cohorts (Lek et al., 2016); In silico analysis, which includes protein predictors and evolutionary conservation, supports a deleterious effect; Has not been previously published as pathogenic or benign to our knowledge

Literature cited by the submitters: PubMed 23633455 (cited by Labcorp Genetics (formerly Invitae), Labcorp).